The following is an entry in ClinVar:

NM_024642.5(GALNT12):c.554A>G (p.Glu185Gly)

Gene: GALNT12 (polypeptide N-acetylgalactosaminyltransferase 12; plus strand). Cytogenetic location: 9q22.33.
Variant type: single nucleotide variant.
Coding change: c.554A>G on transcript NM_024642.5 (MANE Select); coding-DNA position 554, A replaced by G.
Protein change: p.Glu185Gly; replaces glutamic acid 185 with glycine.
Molecular consequence: missense variant.
Genome position (GRCh38, 1-based): chr9:98,826,764, A>G. VCF-style: chr9-98826764-A-G. GRCh37 (hg19) VCF-style: chr9-101589046-A-G.
Other names: short protein forms E185G.
Identifiers: ClinVar variation 4826984 (VCV004826984.1).

ClinVar aggregate classification (germline): Uncertain significance (1 of 4 stars; one submission).

Submission:

Ambry Genetics
Classification: Uncertain significance. Last evaluated: 2026-03-09. Review status: criteria provided, single submitter. Criteria: Ambry Variant Classification Scheme 2023. Collection method: clinical testing. Allele origin: germline.
Comment: The p.E185G variant (also known as c.554A>G), located in coding exon 3 of the GALNT12 gene, results from an A to G substitution at nucleotide position 554. The glutamic acid at codon 185 is replaced by glycine, an amino acid with similar properties. This amino acid position is conserved. In addition, the in silico prediction for this alteration is inconclusive. Based on the available evidence, the clinical significance of this variant remains unclear.